The following is an entry in ClinVar:

NM_206933.4(USH2A):c.1797del (p.Gly601fs)

Gene: USH2A (usherin; minus strand). Cytogenetic location: 1q41.
Variant type: Deletion.
Coding change: c.1797del on transcript NM_206933.4 (MANE Select); coding-DNA position 1797, one base deleted (A; older notation c.1797delA).
Protein change: p.Gly601fs; shifts the reading frame from glycine 601.
Molecular consequence: frameshift variant.
Genome position (GRCh38, 1-based): chr1:216,292,218, T deleted on the plus strand (A on the coding strand, the reverse complement: USH2A is on the minus strand). VCF-style (leftmost placement, unchanged base first): chr1-216292217-CT-C. GRCh37 (hg19) VCF-style: chr1-216465559-CT-C.
Other names: c.1797del, p.Gly601fs (NM_007123.6); short protein forms G601fs.
Identifiers: ClinVar variation 5014443 (VCV005014443.1).

ClinVar aggregate classification (germline): Pathogenic (1 of 4 stars; one submission).

Conditions:
USH2A-related disorder. Also called: USH2A-related condition; USH2A-related disorders. Identifiers: MedGen CN239332.

Submission:

Myriad Genetics, Inc.
Classification: Pathogenic for USH2A-related disorder. Last evaluated: 2025-05-15. Review status: criteria provided, single submitter. Criteria: Myriad Autosomal Dominant, Autosomal Recessive and X-Linked Classification Criteria (2023). Collection method: clinical testing. Allele origin: unknown.
Comment: NM_206933.2(USH2A):c.1797delA(G601Efs*35) is expected to be pathogenic in the context of USH2A-related disorders. This variant is predicted to lead to an abnormal or absent protein product due to the creation of a premature termination codon in USH2A, a gene where loss-of-function variants are known to be pathogenic. Please note: this variant was assessed in the context of healthy population screening.